The following is an entry in ClinVar:

NM_174936.4(PCSK9):c.1658A>G (p.His553Arg)

Gene: PCSK9 (proprotein convertase subtilisin/kexin type 9; plus strand). Cytogenetic location: 1p32.3.
Variant type: single nucleotide variant.
Coding change: c.1658A>G on transcript NM_174936.4 (MANE Select); coding-DNA position 1658, A replaced by G.
Protein change: p.His553Arg; replaces histidine 553 with arginine.
Molecular consequence: missense variant.
Genome position (GRCh38, 1-based): chr1:55,059,640, A>G. VCF-style: chr1-55059640-A-G. GRCh37 (hg19) VCF-style: chr1-55525313-A-G.
Other names: c.1781A>G, p.His594Arg (NM_001407240.1); c.1700A>G, p.His567Arg (NM_001407241.1); c.1661A>G, p.His554Arg (NM_001407242.1); c.1601A>G, p.His534Arg (NM_001407243.1); c.1484A>G, p.His495Arg (NM_001407244.1); c.1466A>G, p.His489Arg (NM_001407245.1); c.1283A>G, p.His428Arg (NM_001407246.1); short protein forms H553R, H534R, H567R, H428R, H489R, H495R, H594R, H554R.
Identifiers: ClinVar variation 242027 (VCV000242027.36), dbSNP rs28362270, ClinGen allele CA038250.

ClinVar aggregate classification (germline): Conflicting classifications of pathogenicity. Review status: criteria provided, conflicting classifications (1 of 4 stars). 16 submissions from 16 submitters: Uncertain significance (1); Benign (5); Likely benign (9). 1 of the submissions does not count toward it. Last evaluated 2026-08-01.

Conditions:
PCSK9-related disorder. Also called: PCSK9-related condition; PCSK9-related disorders.
Cardiovascular phenotype. Identifiers: MedGen CN230736.
Familial hypercholesterolemia. Also called: Familial hypercholesterolaemia; Familial hypercholesterolemias. Identifiers: MedGen C0020445, MONDO:0005439.
Hypercholesterolemia, familial, 1. Also called: LDL RECEPTOR DISORDER; Hyperlipoproteinemia Type IIa; HYPER-LOW-DENSITY-LIPOPROTEINEMIA; HYPERCHOLESTEROLEMIC XANTHOMATOSIS, FAMILIAL; Fredrickson type IIa hyperlipoproteinemia; Hyperlipoproteinemia type 2. Identifiers: Orphanet 391665, MedGen C0745103, MONDO:0007750, OMIM 143890.
Hypercholesterolemia, autosomal dominant, 3 (FHCL3). Also called: Familial hypercholesterolemia 3; Familial Hypercholesterolemia, Autosomal Dominant, 3; PCSK9-Related Familial Hypercholesterolemia, Autosomal Dominant. Identifiers: MedGen C1863551, MONDO:0011369, OMIM 603776.

Allele frequency attached by ClinVar (database versions not stated): gnomAD exomes 0.00030; ExAC 0.00161; gnomAD 0.00344; TOPMed 0.00360; ESP Exome Variant Server 0.00381; 1000 Genomes Project 0.00419; 1000 Genomes Project 30x 0.00547.

Submissions (16):

CeGaT Center for Human Genetics Tuebingen
Classification: Likely benign. Last evaluated: 2026-08-01. Review status: criteria provided, single submitter. Criteria: CeGaT Center For Human Genetics Tuebingen Variant Classification Criteria Version 2. Collection method: clinical testing. Allele origin: germline. Affected: yes. Observed: 2 variant alleles.
Comment: PCSK9: BP4, BS1

Labcorp Genetics (formerly Invitae), Labcorp
Classification: Benign for Hypercholesterolemia, autosomal dominant, 3. Last evaluated: 2026-02-03. Review status: criteria provided, single submitter. Criteria: Invitae Variant Classification Sherloc (09022015). Collection method: clinical testing. Allele origin: germline.

Mayo Clinic Laboratories, Mayo Clinic
Classification: Likely benign. Last evaluated: 2025-07-16. Review status: criteria provided, single submitter. Criteria: ACMG Guidelines, 2015. Collection method: clinical testing. Allele origin: germline. Observed: 3 variant alleles.
Comment: BS1, BP4_moderate

Quest Diagnostics Nichols Institute San Juan Capistrano
Classification: Likely benign. Last evaluated: 2025-05-27. Review status: criteria provided, single submitter. Criteria: Quest Diagnostics criteria. Collection method: clinical testing. Allele origin: unknown.

Molecular Diagnostic Laboratory for Inherited Cardiovascular Disease, Montreal Heart Institute
Classification: Likely benign. Last evaluated: 2025-04-09. Review status: criteria provided, single submitter. Criteria: ACMG Guidelines, 2015. Collection method: clinical testing. Allele origin: germline. Affected: no.

ARUP Laboratories, Molecular Genetics and Genomics, ARUP Laboratories
Classification: Benign. Last evaluated: 2024-12-19. Review status: criteria provided, single submitter. Criteria: ARUP Molecular Germline Variant Investigation Process 2024. Collection method: clinical testing. Allele origin: germline.

Blueprint Genetics
Classification: Likely benign. Last evaluated: 2024-10-09. Review status: criteria provided, single submitter. Criteria: ACMG Guidelines, 2015. Collection method: clinical testing. Allele origin: germline.

GENinCode PLC
Classification: Benign for Familial hypercholesterolemia. Last evaluated: 2023-02-28. Review status: criteria provided, single submitter. Criteria: ACMG Guidelines, 2015. Collection method: clinical testing. Allele origin: germline.

Women's Health and Genetics/Laboratory Corporation of America, LabCorp
Classification: Benign. Last evaluated: 2022-05-09. Review status: criteria provided, single submitter. Criteria: LabCorp Variant Classification Summary - May 2015. Collection method: clinical testing. Allele origin: germline.
Comment: Variant summary: PCSK9 c.1658A>G (p.His553Arg) results in a non-conservative amino acid change located in the Proprotein convertase subtilisin/kexin type 9, C-terminal domain 2 (IPR041052) of the encoded protein sequence. Four of five in-silico tools predict a benign effect of the variant on protein function. The variant allele was found at a frequency of 0.00073 in 156996 control chromosomes, predominantly at a frequency of 0.011 within the African or African-American subpopulation in the gnomAD database. The observed variant frequency within African or African-American control individuals in the gnomAD database is approximately 293 fold of the estimated maximal expected allele frequency for a pathogenic variant in PCSK9 causing Familial Hypercholesterolemia phenotype (3.8e-05), strongly suggesting that the variant is a benign polymorphism found primarily in populations of African or African-American origin. Although c.1658A>G has been reported in the literature, to our knolwedge, no penetrant association of the variant with Familial Hypercholesterolemia have been confirmed (example, Anderson_2014, Rodriguez_2013). Seven clinical diagnostic laboratories have submitted clinical-significance assessments for this variant to ClinVar after 2014 with a majority consensus as benign/likely benign (n=6). Based on the evidence outlined above, the variant was classified as benign.

GeneDx
Classification: Benign. Last evaluated: 2020-01-13. Review status: criteria provided, single submitter. Criteria: GeneDx Variant Classification Process June 2021. Collection method: clinical testing. Allele origin: germline. Affected: yes.
Comment: This variant is associated with the following publications: (PMID: 33147992, 16465619)

Illumina Laboratory Services, Illumina
Classification: Likely benign for Hypercholesterolemia, autosomal dominant, 3. Last evaluated: 2019-03-11. Review status: criteria provided, single submitter. Criteria: ICSL Variant Classification Criteria 13 December 2019. Collection method: clinical testing. Allele origin: germline.
Comment: This variant was observed as part of a predisposition screen in an ostensibly healthy population. A literature search was performed for the gene, cDNA change, and amino acid change (where applicable). Publications were found based on this search. The evidence from the literature, in combination with allele frequency data from public databases where available, was sufficient to determine this variant is unlikely to cause disease. Therefore, this variant is classified as likely benign.

Ambry Genetics
Classification: Likely benign for Cardiovascular phenotype. Last evaluated: 2019-01-04. Review status: criteria provided, single submitter. Criteria: Ambry Variant Classification Scheme 2023. Collection method: clinical testing. Allele origin: germline.

Color Diagnostics, LLC DBA Color Health
Classification: Likely benign for Familial hypercholesterolemias. Last evaluated: 2017-07-10. Review status: criteria provided, single submitter. Criteria: ACMG Guidelines, 2015. Collection method: clinical testing. Allele origin: germline.

Laboratory of Genetics and Molecular Cardiology, University of São Paulo
Classification: Uncertain significance for Familial hypercholesterolemia. Last evaluated: 2016-03-01. Review status: criteria provided, single submitter. Criteria: ACMG Guidelines, 2015. Collection method: research. Allele origin: germline. Study: HipercolBrasil.

Genomic Diagnostic Laboratory, Division of Genomic Diagnostics, Children's Hospital of Philadelphia
Classification: Likely benign for Hypercholesterolemia, autosomal dominant, 3. Last evaluated: 2015-10-30. Review status: criteria provided, single submitter. Criteria: DGD Variant Analysis Guidelines. Collection method: clinical testing. Allele origin: unknown.

PreventionGenetics, part of Exact Sciences
Classification: Likely benign for PCSK9-related condition. Last evaluated: 2024-05-20. Review status: no assertion criteria provided. Collection method: clinical testing. Allele origin: germline. Not counted in ClinVar's aggregate classification.
Comment: This variant is classified as likely benign based on ACMG/AMP sequence variant interpretation guidelines (Richards et al. 2015 PMID: 25741868, with internal and published modifications).

Literature cited by the submitters: PubMed 19191301 (cited by Quest Diagnostics Nichols Institute San Juan Capistrano and Women's Health and Genetics/Laboratory Corporation of America, LabCorp); PubMed 23247049 (cited by Quest Diagnostics Nichols Institute San Juan Capistrano and Women's Health and Genetics/Laboratory Corporation of America, LabCorp); PubMed 33147992 (cited by Quest Diagnostics Nichols Institute San Juan Capistrano); PubMed 36752612 (cited by Quest Diagnostics Nichols Institute San Juan Capistrano); PubMed 16465619 (cited by 3 submitters); PubMed 17804797 (cited by Quest Diagnostics Nichols Institute San Juan Capistrano); PubMed 29982529 (cited by Quest Diagnostics Nichols Institute San Juan Capistrano); PubMed 30779729 (cited by Quest Diagnostics Nichols Institute San Juan Capistrano); PubMed 20172854 (cited by Quest Diagnostics Nichols Institute San Juan Capistrano and Women's Health and Genetics/Laboratory Corporation of America, LabCorp); PubMed 23663650 (cited by Quest Diagnostics Nichols Institute San Juan Capistrano and Women's Health and Genetics/Laboratory Corporation of America, LabCorp); PubMed 23105118 (cited by Quest Diagnostics Nichols Institute San Juan Capistrano and Women's Health and Genetics/Laboratory Corporation of America, LabCorp); PubMed 24793346 (cited by Quest Diagnostics Nichols Institute San Juan Capistrano and Women's Health and Genetics/Laboratory Corporation of America, LabCorp); PubMed 17461796 (cited by Quest Diagnostics Nichols Institute San Juan Capistrano and Women's Health and Genetics/Laboratory Corporation of America, LabCorp); PubMed 28349888 (cited by Quest Diagnostics Nichols Institute San Juan Capistrano); PubMed 24808179 (cited by Quest Diagnostics Nichols Institute San Juan Capistrano and Women's Health and Genetics/Laboratory Corporation of America, LabCorp); PubMed 26195630 (cited by Quest Diagnostics Nichols Institute San Juan Capistrano); PubMed 25904937 (cited by Quest Diagnostics Nichols Institute San Juan Capistrano); PubMed 21943799 (cited by Women's Health and Genetics/Laboratory Corporation of America, LabCorp).